The following is an entry in ClinVar:

NM_004977.3(KCNC3):c.23C>T (p.Ser8Leu)

Genes: KCNC3 (potassium voltage-gated channel subfamily C member 3; minus strand), LOC111811967 (Sharpr-MPRA regulatory region 11330/13384; plus strand). Cytogenetic location: 19q13.33.
Variant type: single nucleotide variant.
Coding change: c.23C>T on transcript NM_004977.3 (MANE Select); coding-DNA position 23, C replaced by T.
Protein change: p.Ser8Leu; replaces serine 8 with leucine.
Molecular consequence: missense variant. On other transcripts: 5 prime UTR variant (1).
Genome position (GRCh38, 1-based): chr19:50,329,060, G>A on the plus strand (C>T on the coding strand, the complement: KCNC3 is on the minus strand). VCF-style: chr19-50329060-G-A. GRCh37 (hg19) VCF-style: chr19-50832317-G-A.
Other names: c.-206C>T (NM_001372305.1); c.23C>T (NM_004977.2); short protein forms S8L.
Identifiers: ClinVar variation 2899780 (VCV002899780.4), dbSNP rs761806977, ClinGen allele CA9594408.
Genomic context (GRCh38, chr19:50,329,060, plus strand): 5'-GGCGGCTGCGGCGGTGGCGCCGGCTGCTGCTTGCTGGCCCCCTGGCGCCCGCGGAAGGAC[G>A]AGACGCAGACTGAGCTCAGCATTGGACGGGGGGCGGGGCGGGAGGGGCGGGGACGCAGGG-3'
Protein context (NP_004968.2, residues 1-18): MLSSVCV[Ser8Leu]SFRGRQGASK

ClinVar aggregate classification (germline): Uncertain significance. Review status: criteria provided, multiple submitters, no conflicts (2 of 4 stars). 2 submissions from 2 submitters: Uncertain significance (2). Last evaluated 2025-02-22.

Conditions:
Inborn genetic diseases. Identifiers: MedGen C0950123, MeSH D030342.

Allele frequency attached by ClinVar (database versions not stated): ExAC 0.00015.
gnomAD v4.1: 15 of 1,311,576 alleles (0.0011%); highest among the groups gnomAD compares: South Asian, 0.0037%; no homozygotes.

Submissions (2):

Ambry Genetics
Classification: Uncertain significance for Inborn genetic diseases. Last evaluated: 2025-02-22. Review status: criteria provided, single submitter. Criteria: Ambry Variant Classification Scheme 2023. Collection method: clinical testing. Allele origin: germline.

Labcorp Genetics (formerly Invitae), Labcorp
Classification: Uncertain significance. Last evaluated: 2022-12-09. Review status: criteria provided, single submitter. Criteria: Invitae Variant Classification Sherloc (09022015). Collection method: clinical testing. Allele origin: germline.
Comment: In summary, the available evidence is currently insufficient to determine the role of this variant in disease. Therefore, it has been classified as a Variant of Uncertain Significance. Advanced modeling of protein sequence and biophysical properties (such as structural, functional, and spatial information, amino acid conservation, physicochemical variation, residue mobility, and thermodynamic stability) performed at Invitae indicates that this missense variant is not expected to disrupt KCNC3 protein function. This variant has not been reported in the literature in individuals affected with KCNC3-related conditions. This variant is present in population databases (rs761806977, gnomAD 0.007%). This sequence change replaces serine, which is neutral and polar, with leucine, which is neutral and non-polar, at codon 8 of the KCNC3 protein (p.Ser8Leu).